The following is an entry in ClinVar:

NM_001244008.2(KIF1A):c.2978-14T>G

Gene: KIF1A (kinesin family member 1A; minus strand). Cytogenetic location: 2q37.3.
Variant type: single nucleotide variant.
Coding change: c.2978-14T>G on transcript NM_001244008.2 (MANE Select); 14 bases into the intron before coding-DNA position 2978, T replaced by G.
Molecular consequence: intron variant.
Genome position (GRCh38, 1-based): chr2:240,747,335, A>C on the plus strand (T>G on the coding strand, the complement: KIF1A is on the minus strand). VCF-style: chr2-240747335-A-C. GRCh37 (hg19) VCF-style: chr2-241686752-A-C.
Other names: c.2675-14T>G (NM_001379653.1, NM_001379650.1, NM_001379640.1 and 6 more transcripts); c.2951-14T>G (NM_001379645.1, NM_001379633.1, NM_001379642.1); c.2777-14T>G (NM_001379635.1, NM_001330290.2, NM_001379646.1 and 1 more transcripts); c.2927-14T>G (NM_001379632.1); c.2750-14T>G (NM_001379637.1, NM_001379648.1); c.2702-14T>G (NM_001320705.2, NM_001379638.1, NM_001330289.2); c.3053-14T>G (NM_001379631.1).
Identifiers: ClinVar variation 1032197 (VCV001032197.6), dbSNP rs964376899, ClinGen allele CA68158748.
Genomic context (GRCh38, chr2:240,747,335, plus strand): 5'-TCCCGACTGGCGGACGCCAGAGCCATAATCAGGGGCCTCTTCATCGGCTGCAGGAGAAAC[A>C]GAGCAAATGGTTGGAGCCCAGCTTGTCCCCTGAGGTGGGTGTGGGCAGAGCCAGGCTGGG-3'

ClinVar aggregate classification (germline): Uncertain significance. Review status: criteria provided, multiple submitters, no conflicts (2 of 4 stars). 2 submissions from 2 submitters: Uncertain significance (2). Last evaluated 2022-10-16.

Conditions:
Neuropathy, hereditary sensory, type 2C. Also called: Hereditary sensory and autonomic neuropathy type IIC; KIF1A-Related HSAN2 (HSAN2C). Identifiers: Orphanet 970, MedGen C3280168, MONDO:0013634, OMIM 614213.
Intellectual disability, autosomal dominant 9 (NESCAVS). Also called: KIF1A-Related Neurodevelopmental Disorder; NESCAV SYNDROME. Identifiers: Orphanet 662367, MedGen C5393830, MONDO:0013656, OMIM 614255.
Hereditary spastic paraplegia 30. Identifiers: Orphanet 101010, MedGen C5235139, MONDO:0012476.

Allele frequency attached by ClinVar (database versions not stated): TOPMed 0.00001.

Submissions (2):

Labcorp Genetics (formerly Invitae), Labcorp
Classification: Uncertain significance for Hereditary spastic paraplegia 30; Neuropathy, hereditary sensory, type 2C; Intellectual disability, autosomal dominant 9. Last evaluated: 2022-10-16. Review status: criteria provided, single submitter. Criteria: Invitae Variant Classification Sherloc (09022015). Collection method: clinical testing. Allele origin: germline.
Comment: This variant is not present in population databases (gnomAD no frequency). In summary, the available evidence is currently insufficient to determine the role of this variant in disease. Therefore, it has been classified as a Variant of Uncertain Significance. Algorithms developed to predict the effect of sequence changes on RNA splicing suggest that this variant is not likely to affect RNA splicing. ClinVar contains an entry for this variant (Variation ID: 1032197). This variant has not been reported in the literature in individuals affected with KIF1A-related conditions. This sequence change falls in intron 25 of the KIF1A gene. It does not directly change the encoded amino acid sequence of the KIF1A protein.

Baylor Genetics
Classification: Uncertain significance for Intellectual disability, autosomal dominant 9. Last evaluated: 2018-07-13. Review status: criteria provided, single submitter. Criteria: ACMG Guidelines, 2015. Collection method: clinical testing. Allele origin: maternal. Affected: yes.
Comment: This variant was determined to be of uncertain significance according to ACMG Guidelines, 2015 [PMID:25741868].